The following is an entry in ClinVar:

ClinVar aggregate classification (germline): Likely benign (1 of 4 stars; one submission).

Allele frequency attached by ClinVar (database versions not stated): ExAC 0.00001; gnomAD 0.00002.

Submission:

CeGaT Center for Human Genetics Tuebingen
Classification: Likely benign. Last evaluated: 2023-08-01. Review status: criteria provided, single submitter. Criteria: CeGaT Center For Human Genetics Tuebingen Variant Classification Criteria Version 2. Collection method: clinical testing. Allele origin: germline. Affected: yes. Observed: 1 variant allele.
Comment: MUC21: BP4, BP7

NM_001010909.5(MUC21):c.933G>A (p.Gly311=)

Genes: MUC21 (mucin 21, cell surface associated; plus strand), LOC126859647 (CDK7 strongly-dependent group 2 enhancer GRCh37_chr6:30954612-30955811; plus strand). Cytogenetic location: 6p21.33.
Variant type: single nucleotide variant.
Coding change: c.933G>A on transcript NM_001010909.5 (MANE Select); coding-DNA position 933, G replaced by A.
Protein change: p.Gly311=; no amino-acid change (glycine 311 retained).
Molecular consequence: synonymous variant. On other transcripts: non-coding transcript variant (1).
Genome position (GRCh38, 1-based): chr6:30,987,108, G>A. VCF-style: chr6-30987108-G-A. GRCh37 (hg19) VCF-style: chr6-30954885-G-A.
Other names: c.1023G>A, p.Gly341= (NM_001322370.2, NM_001322371.2).
Identifiers: ClinVar variation 2656362 (VCV002656362.24), dbSNP rs757207539, ClinGen allele CA3707346.
Genomic context (GRCh38, chr6:30,987,108, plus strand): 5'-CACACCCTCCAGTGGGGCCAACACAGCCACCAACTCTGAGTCCAGTACGACCTCCAGTGG[G>A]GCCAACACAGCCACCAACTCTGACTCCAGCACAACCTCCAGTGGGGCCAGCACAGCCACC-3'
Protein context (NP_001010909.2, residues 301-321): TNSESSTTSS[Gly311=]ANTATNSDSS